The following is an entry in ClinVar:

NM_138691.3(TMC1):c.676A>G (p.Arg226Gly)

Gene: TMC1 (transmembrane channel like 1; plus strand). Cytogenetic location: 9q21.13.
Variant type: single nucleotide variant.
Coding change: c.676A>G on transcript NM_138691.3 (MANE Select); coding-DNA position 676, A replaced by G.
Protein change: p.Arg226Gly; replaces arginine 226 with glycine.
Molecular consequence: missense variant.
Genome position (GRCh38, 1-based): chr9:72,754,819, A>G. VCF-style: chr9-72754819-A-G. GRCh37 (hg19) VCF-style: chr9-75369735-A-G.
Other names: short protein forms R226G.
Identifiers: ClinVar variation 1801028 (VCV001801028.1), dbSNP rs1827645712, ClinGen allele CA373498437.
Genomic context (GRCh38, chr9:72,754,819, plus strand): 5'-CACTGCTTTCTTTGCTTCTTCATACAGTACCTCTGGGGTTTGCCATATGGCAGTTTACCT[A>G]GGAAAACCGTTCCCAGAGCCGAAGAGGCATCGGCAGCAAACTTTGGTGTGTTGTACGACT-3'
Protein context (NP_619636.2, residues 216-236): LWGLPYGSLP[Arg226Gly]KTVPRAEEAS

ClinVar aggregate classification (germline): Uncertain significance (1 of 4 stars; one submission).

Submission:

GeneDx
Classification: Uncertain significance. Last evaluated: 2022-05-27. Review status: criteria provided, single submitter. Criteria: GeneDx Variant Classification Process June 2021. Collection method: clinical testing. Allele origin: germline. Affected: yes.
Comment: Not observed at significant frequency in large population cohorts (gnomAD); In silico analysis supports that this missense variant has a deleterious effect on protein structure/function; Has not been previously published as pathogenic or benign to our knowledge